The following is an entry in ClinVar:

ClinVar aggregate classification (germline): Uncertain significance (1 of 4 stars; one submission).

Conditions:
Cardiovascular phenotype. Identifiers: MedGen CN230736.

Allele frequency attached by ClinVar (database versions not stated): gnomAD exomes 0.00001.
gnomAD v4.1: 10 of 1,610,688 alleles (0.00062%); highest among the groups gnomAD compares: Non-Finnish European, 0.00085%; no homozygotes.

Submission:

Ambry Genetics
Classification: Uncertain significance for Cardiovascular phenotype. Last evaluated: 2022-03-17. Review status: criteria provided, single submitter. Criteria: Ambry Variant Classification Scheme 2023. Collection method: clinical testing. Allele origin: germline.
Comment: The p.L374R variant (also known as c.1121T>G), located in coding exon 9 of the NEXN gene, results from a T to G substitution at nucleotide position 1121. The leucine at codon 374 is replaced by arginine, an amino acid with dissimilar properties. This amino acid position is conserved. In addition, this alteration is predicted to be deleterious by in silico analysis. Since supporting evidence is limited at this time, the clinical significance of this alteration remains unclear.

NM_144573.4(NEXN):c.1121T>G (p.Leu374Arg)

Gene: NEXN (nexilin F-actin binding protein; plus strand). Cytogenetic location: 1p31.1.
Variant type: single nucleotide variant.
Coding change: c.1121T>G on transcript NM_144573.4 (MANE Select); coding-DNA position 1121, T replaced by G.
Protein change: p.Leu374Arg; replaces leucine 374 with arginine.
Molecular consequence: missense variant.
Genome position (GRCh38, 1-based): chr1:77,933,349, T>G. VCF-style: chr1-77933349-T-G. GRCh37 (hg19) VCF-style: chr1-78399034-T-G.
Other names: c.929T>G, p.Leu310Arg (NM_001172309.2); short protein forms L310R, L374R.
Identifiers: ClinVar variation 1797982 (VCV001797982.2), dbSNP rs2523247654, ClinGen allele CA340876737.